The following is an entry in ClinVar:

ClinVar aggregate classification (germline): Likely benign. Review status: criteria provided, single submitter (1 of 4 stars). 2 submissions from 2 submitters: Likely benign (1). 1 of the submissions does not count toward it. Last evaluated 2024-11-25.

Conditions:
STK36-related disorder. Also called: STK36-related condition.

Allele frequency attached by ClinVar (database versions not stated): 1000 Genomes Project 30x 0.00016; ExAC 0.00018; 1000 Genomes Project 0.00020; gnomAD 0.00020; TOPMed 0.00024; ESP Exome Variant Server 0.00046.
gnomAD v4.1: 578 of 1,614,092 alleles (0.036%); highest among the groups gnomAD compares: Non-Finnish European, 0.046%; 1 homozygote.

Submissions (2):

Blueprint Genetics
Classification: Likely benign. Last evaluated: 2024-11-25. Review status: criteria provided, single submitter. Criteria: ACMG Guidelines, 2015. Collection method: clinical testing. Allele origin: germline.

PreventionGenetics, part of Exact Sciences
Classification: Likely benign for STK36-related condition. Last evaluated: 2020-02-05. Review status: no assertion criteria provided. Collection method: clinical testing. Allele origin: germline. Not counted in ClinVar's aggregate classification.
Comment: This variant is classified as likely benign based on ACMG/AMP sequence variant interpretation guidelines (Richards et al. 2015 PMID: 25741868, with internal and published modifications).

NM_015690.5(STK36):c.1263G>A (p.Gln421=)

Gene: STK36 (serine/threonine kinase 36; plus strand). Cytogenetic location: 2q35.
Variant type: single nucleotide variant.
Coding change: c.1263G>A on transcript NM_015690.5 (MANE Select); coding-DNA position 1263, G replaced by A.
Protein change: p.Gln421=; no amino-acid change (glutamine 421 retained).
Molecular consequence: synonymous variant.
Genome position (GRCh38, 1-based): chr2:218,685,111, G>A. VCF-style: chr2-218685111-G-A. GRCh37 (hg19) VCF-style: chr2-219549834-G-A.
Other names: c.1263G>A, p.Gln421= (NM_001243313.2, NM_001369423.1).
Identifiers: ClinVar variation 3051062 (VCV003051062.3), dbSNP rs148515974, ClinGen allele CA2110753.